The following is an entry in ClinVar:

NM_000088.4(COL1A1):c.2560-2A>G

Gene: COL1A1 (collagen type I alpha 1 chain; minus strand). Cytogenetic location: 17q21.33.
Variant type: single nucleotide variant.
Coding change: c.2560-2A>G on transcript NM_000088.4 (MANE Select); the canonical splice acceptor site of the intron before coding-DNA position 2560, A replaced by G.
Molecular consequence: splice acceptor variant.
Genome position (GRCh38, 1-based): chr17:50,189,914, T>C on the plus strand (A>G on the coding strand, the complement: COL1A1 is on the minus strand). VCF-style: chr17-50189914-T-C. GRCh37 (hg19) VCF-style: chr17-48267275-T-C.
Identifiers: ClinVar variation 3775015 (VCV003775015.1).

ClinVar aggregate classification (germline): Likely pathogenic (1 of 4 stars; one submission).

Conditions:
Osteogenesis imperfecta, perinatal lethal (OI2). Also called: OI, TYPE II; OSTEOGENESIS IMPERFECTA CONGENITA; VROLIK TYPE OF OSTEOGENESIS IMPERFECTA; OSTEOGENESIS IMPERFECTA, TYPE II; Osteogenesis imperfecta type 2; Osteogenesis imperfecta, dominant perinatal lethal. Identifiers: Orphanet 216804, MedGen C0268358, MONDO:0008147, OMIM 166210.

Submission:

Institute of Medical Genetics and Applied Genomics, University Hospital Tübingen
Classification: Likely pathogenic for Osteogenesis imperfecta, perinatal lethal. Last evaluated: 2025-04-02. Review status: criteria provided, single submitter. Criteria: ACMG Guidelines, 2015. Collection method: clinical testing. Allele origin: de novo. Inheritance: Autosomal dominant inheritance. Affected: yes.
Comment: Prenatal testing, predicted in-frame-skipping of exon 37